The following is an entry in ClinVar:

ClinVar aggregate classification (germline): Uncertain significance (1 of 4 stars; one submission).

Submission:

GeneDx
Classification: Uncertain significance. Last evaluated: 2025-06-30. Review status: criteria provided, single submitter. Criteria: GeneDx Variant Classification Process June 2021. Collection method: clinical testing. Allele origin: germline.
Comment: Not observed at significant frequency in large population cohorts (gnomAD); In silico analysis supports that this missense variant has a deleterious effect on protein structure/function; Has not been previously published as pathogenic or benign to our knowledge

NM_001142966.3(GREB1L):c.653A>C (p.Tyr218Ser)

Genes: GREB1L (GREB1 like retinoic acid receptor coactivator; plus strand), GREB1L-AS1 (GREB1L antisense RNA 1; minus strand). Cytogenetic location: 18q11.1.
Variant type: single nucleotide variant.
Coding change: c.653A>C on transcript NM_001142966.3 (MANE Select); coding-DNA position 653, A replaced by C.
Protein change: p.Tyr218Ser; replaces tyrosine 218 with serine.
Molecular consequence: missense variant.
Genome position (GRCh38, 1-based): chr18:21,401,270, A>C. VCF-style: chr18-21401270-A-C. GRCh37 (hg19) VCF-style: chr18-18981231-A-C.
Other names: c.653A>C, p.Tyr218Ser (NM_001410867.1, NM_001410868.1); short protein forms Y218S.
Identifiers: ClinVar variation 3906276 (VCV003906276.2).